The following is an entry in ClinVar:

ClinVar aggregate classification (germline): Uncertain significance (1 of 4 stars; one submission).

Submission:

Ambry Genetics
Classification: Uncertain significance. Last evaluated: 2025-08-09. Review status: criteria provided, single submitter. Criteria: Ambry Variant Classification Scheme 2023. Collection method: clinical testing. Allele origin: germline.
Comment: The p.L341F variant (also known as c.1021C>T), located in coding exon 8 of the RNF43 gene, results from a C to T substitution at nucleotide position 1021. The leucine at codon 341 is replaced by phenylalanine, an amino acid with highly similar properties. This amino acid position is conserved. In addition, this alteration is predicted to be tolerated by in silico analysis. Based on the available evidence, the clinical significance of this variant remains unclear.

NM_017763.6(RNF43):c.1021C>T (p.Leu341Phe)

Gene: RNF43 (ring finger protein 43; minus strand). Cytogenetic location: 17q22.
Variant type: single nucleotide variant.
Coding change: c.1021C>T on transcript NM_017763.6 (MANE Select); coding-DNA position 1021, C replaced by T.
Protein change: p.Leu341Phe; replaces leucine 341 with phenylalanine.
Molecular consequence: missense variant.
Genome position (GRCh38, 1-based): chr17:58,358,755, G>A on the plus strand (C>T on the coding strand, the complement: RNF43 is on the minus strand). VCF-style: chr17-58358755-G-A. GRCh37 (hg19) VCF-style: chr17-56436116-G-A.
Other names: c.1021C>T, p.Leu341Phe (NM_001305544.3, NM_001438820.1, NM_001438821.1 and 1 more transcripts); c.640C>T, p.Leu214Phe (NM_001305545.2, NM_001437987.1); short protein forms L214F, L341F.
Identifiers: ClinVar variation 4155771 (VCV004155771.1).